The following is an entry in ClinVar:

NM_004360.5(CDH1):c.2023A>C (p.Lys675Gln)

Gene: CDH1 (cadherin 1; plus strand). Cytogenetic location: 16q22.1.
Variant type: single nucleotide variant.
Coding change: c.2023A>C on transcript NM_004360.5 (MANE Select); coding-DNA position 2023, A replaced by C.
Protein change: p.Lys675Gln; replaces lysine 675 with glutamine.
Molecular consequence: missense variant.
Genome position (GRCh38, 1-based): chr16:68,823,485, A>C. VCF-style: chr16-68823485-A-C. GRCh37 (hg19) VCF-style: chr16-68857388-A-C.
Other names: c.1840A>C, p.Lys614Gln (NM_001317184.2); c.475A>C, p.Lys159Gln (NM_001317185.2); c.58A>C, p.Lys20Gln (NM_001317186.2); short protein forms K614Q, K675Q, K159Q, K20Q.
Identifiers: ClinVar variation 1784597 (VCV001784597.5), dbSNP rs2543945571, ClinGen allele CA396467690.

ClinVar aggregate classification (germline): Uncertain significance. Review status: criteria provided, multiple submitters, no conflicts (2 of 4 stars). 2 submissions from 2 submitters: Uncertain significance (2). Last evaluated 2025-11-05.

Conditions:
Hereditary diffuse gastric adenocarcinoma (HDGC). Also called: DIFFUSE GASTRIC AND LOBULAR BREAST CANCER SYNDROME. Identifiers: Orphanet 26106, MedGen C1708349, MONDO:0007648, OMIM 137215.
Hereditary cancer-predisposing syndrome. Also called: Tumor predisposition; Neoplastic Syndromes, Hereditary; Hereditary Cancer Syndrome; Hereditary neoplastic syndrome. Identifiers: Orphanet 140162, MedGen C0027672, MeSH D009386, MONDO:0015356.

Submissions (2):

Ambry Genetics
Classification: Uncertain significance for Hereditary cancer-predisposing syndrome. Last evaluated: 2025-11-05. Review status: criteria provided, single submitter. Criteria: Ambry Variant Classification Scheme 2023. Collection method: clinical testing. Allele origin: germline.
Comment: The p.K675Q variant (also known as c.2023A>C), located in coding exon 13 of the CDH1 gene, results from an A to C substitution at nucleotide position 2023. The lysine at codon 675 is replaced by glutamine, an amino acid with similar properties. This amino acid position is not well conserved in available vertebrate species. In addition, this alteration is predicted to be tolerated by in silico analysis. Based on the available evidence, the clinical significance of this variant remains unclear.

Labcorp Genetics (formerly Invitae), Labcorp
Classification: Uncertain significance for Hereditary diffuse gastric adenocarcinoma. Last evaluated: 2024-08-19. Review status: criteria provided, single submitter. Criteria: Invitae Variant Classification Sherloc (09022015). Collection method: clinical testing. Allele origin: germline.
Comment: This sequence change replaces lysine, which is basic and polar, with glutamine, which is neutral and polar, at codon 675 of the CDH1 protein (p.Lys675Gln). This variant is not present in population databases (gnomAD no frequency). This variant has not been reported in the literature in individuals affected with CDH1-related conditions. ClinVar contains an entry for this variant (Variation ID: 1784597). An algorithm developed to predict the effect of missense changes on protein structure and function (PolyPhen-2) suggests that this variant is likely to be disruptive. In summary, the available evidence is currently insufficient to determine the role of this variant in disease. Therefore, it has been classified as a Variant of Uncertain Significance.